The following is an entry in ClinVar:

NM_001330288.2(SMARCC2):c.2574A>G (p.Pro858=)

Gene: SMARCC2 (SWI/SNF related BAF chromatin remodeling complex subunit C2; minus strand). Cytogenetic location: 12q13.2.
Variant type: single nucleotide variant.
Coding change: c.2574A>G on transcript NM_001330288.2 (MANE Select); coding-DNA position 2574, A replaced by G.
Protein change: p.Pro858=; no amino-acid change (proline 858 retained).
Molecular consequence: synonymous variant.
Genome position (GRCh38, 1-based): chr12:56,169,670, T>C on the plus strand (A>G on the coding strand, the complement: SMARCC2 is on the minus strand). VCF-style: chr12-56169670-T-C. GRCh37 (hg19) VCF-style: chr12-56563454-T-C.
Other names: c.2574A>G, p.Pro858= (NM_001130420.3, NM_139067.4); c.2481A>G, p.Pro827= (NM_003075.5).
Identifiers: ClinVar variation 3037386 (VCV003037386.2), dbSNP rs747112231, ClinGen allele CA6625741.
Genomic context (GRCh38, chr12:56,169,670, plus strand): 5'-TGTCTTCCTTTCCCCCTCAGACTCCACCACTTCCTTCAGCACTTCCTCCTGCCCTTCCTT[T>C]GGCTCCTTCTCCTTCTCAGGATCGACTGGGCCAGGACAAGGGTTGAGTTAGCCCCACAGC-3'
Protein context (NP_001317217.1, residues 848-868): PIVDPEKEKE[Pro858=]KEGQEEVLKE

ClinVar aggregate classification (germline): Likely benign (0 of 4 stars; one submission).

Conditions:
SMARCC2-related disorder. Also called: SMARCC2-related condition.

Allele frequency attached by ClinVar (database versions not stated): ExAC 0.00001; gnomAD 0.00001; TOPMed 0.00001; gnomAD exomes 0.00003.
gnomAD v4.1: 44 of 1,614,052 alleles (0.0027%); highest among the groups gnomAD compares: Non-Finnish European, 0.0036%; no homozygotes.

Submission:

PreventionGenetics, part of Exact Sciences
Classification: Likely benign for SMARCC2-related condition. Last evaluated: 2019-05-07. Review status: no assertion criteria provided. Collection method: clinical testing. Allele origin: germline.
Comment: This variant is classified as likely benign based on ACMG/AMP sequence variant interpretation guidelines (Richards et al. 2015 PMID: 25741868, with internal and published modifications).